The following is an entry in ClinVar:

NM_000051.4(ATM):c.2802C>G (p.Ser934Arg)

Gene: ATM (ATM serine/threonine kinase; plus strand). Cytogenetic location: 11q22.3.
Variant type: single nucleotide variant.
Coding change: c.2802C>G on transcript NM_000051.4 (MANE Select); coding-DNA position 2802, C replaced by G.
Protein change: p.Ser934Arg; replaces serine 934 with arginine.
Molecular consequence: missense variant.
Genome position (GRCh38, 1-based): chr11:108,268,573, C>G. VCF-style: chr11-108268573-C-G. GRCh37 (hg19) VCF-style: chr11-108139300-C-G.
Other names: c.2802C>G, p.Ser934Arg (NM_001351834.2); short protein forms S934R.
Identifiers: ClinVar variation 232475 (VCV000232475.16), dbSNP rs876659788, ClinGen allele CA10579070.

ClinVar aggregate classification (germline): Uncertain significance. Review status: criteria provided, multiple submitters, no conflicts (2 of 4 stars). 2 submissions from 2 submitters: Uncertain significance (2). Last evaluated 2025-05-28.

Conditions:
Hereditary cancer-predisposing syndrome. Also called: Hereditary Cancer Syndrome; Neoplastic Syndromes, Hereditary; Tumor predisposition; Hereditary neoplastic syndrome. Identifiers: Orphanet 140162, MedGen C0027672, MeSH D009386, MONDO:0015356.
Ataxia-telangiectasia syndrome (AT). Also called: Ataxia telangiectasia (A-T); Ataxia-telangiectasia, complementation group E; LOUIS-BAR SYNDROME; Cerebello-oculocutaneous telangiectasia; Immunodeficiency with ataxia telangiectasia; Ataxia-telangiectasia, complementation group D. Identifiers: Orphanet 100, MedGen C0004135, MONDO:0008840, OMIM 208900.

Submissions (2):

Ambry Genetics
Classification: Uncertain significance for Hereditary cancer-predisposing syndrome. Last evaluated: 2025-05-28. Review status: criteria provided, single submitter. Criteria: Ambry Variant Classification Scheme 2023. Collection method: clinical testing. Allele origin: germline.
Comment: The p.S934R variant (also known as c.2802C>G), located in coding exon 17 of the ATM gene, results from a C to G substitution at nucleotide position 2802. The serine at codon 934 is replaced by arginine, an amino acid with dissimilar properties. This amino acid position is well conserved in available vertebrate species. In addition, this alteration is predicted to be tolerated by in silico analysis. Based on the available evidence, the clinical significance of this variant remains unclear.

Labcorp Genetics (formerly Invitae), Labcorp
Classification: Uncertain significance for Ataxia-telangiectasia syndrome. Last evaluated: 2024-04-15. Review status: criteria provided, single submitter. Criteria: Invitae Variant Classification Sherloc (09022015). Collection method: clinical testing. Allele origin: germline.
Comment: This sequence change replaces serine, which is neutral and polar, with arginine, which is basic and polar, at codon 934 of the ATM protein (p.Ser934Arg). This variant is not present in population databases (gnomAD no frequency). This variant has not been reported in the literature in individuals affected with ATM-related conditions. ClinVar contains an entry for this variant (Variation ID: 232475). An algorithm developed to predict the effect of missense changes on protein structure and function (PolyPhen-2) suggests that this variant is likely to be tolerated. In summary, the available evidence is currently insufficient to determine the role of this variant in disease. Therefore, it has been classified as a Variant of Uncertain Significance.